The following is an entry in ClinVar:

ClinVar aggregate classification (germline): Pathogenic. Review status: criteria provided, multiple submitters, no conflicts (2 of 4 stars). 4 submissions from 4 submitters: Pathogenic (3). 1 of the submissions does not count toward it. Last evaluated 2026-09-22.

Conditions:
CFAP44-related disorder. Also called: CFAP44-related condition.
Spermatogenic failure 20. Identifiers: MedGen C4539824, MONDO:0054724, OMIM 617593.

Allele frequency attached by ClinVar (database versions not stated): TOPMed 0.00001.
gnomAD v4.1: 5 of 1,609,738 alleles (0.00031%); highest among the groups gnomAD compares: Middle Eastern, 0.05%; no homozygotes.

Submissions (4):

PreventionGenetics, part of Exact Sciences
Classification: Pathogenic for CFAP44-related condition. Last evaluated: 2026-09-22. Review status: criteria provided, single submitter. Criteria: ACMG Guidelines, 2015. Collection method: clinical testing. Allele origin: germline.
Comment: The CFAP44 c.1387G>T variant is predicted to result in premature protein termination (p.Glu463*). This variant has been reported in the homozygous state in two unrelated patients with primary infertility due to multiple morphologic abnormalities of sperm flagella with severe disorganization of the sperm axoneme (Coutton et al. 2018. PubMed ID: 29449551). This variant has not been reported in a large population database, indicating this variant is rare. Nonsense variants in CFAP44 are expected to be pathogenic. This variant is interpreted as pathogenic.

Genomic Medicine Center of Excellence, King Faisal Specialist Hospital and Research Centre
Classification: Pathogenic for Spermatogenic failure 20. Last evaluated: 2024-03-17. Review status: criteria provided, single submitter. Criteria: ACMG Guidelines, 2015. Collection method: research. Allele origin: germline.

First Genomix Gene Laboratory, Genetic Diagnostics Department
Classification: Pathogenic for Spermatogenic failure 20. Last evaluated: 2022-07-04. Review status: criteria provided, single submitter. Criteria: ACMG Guidelines, 2015. Collection method: clinical testing. Allele origin: germline. Inheritance: Autosomal recessive inheritance. Affected: yes. Observed: 2 variant alleles, 1 heterozygote, 1 homozygote.
Comment: Coutton et al., 2018 have identified this variant in a homozygous state in a patient presenting with primary infertility due to multiple morphological abnormalities of the flagella (PMID: 29449551).

OMIM
Classification: Pathogenic for SPERMATOGENIC FAILURE 20. Last evaluated: 2018-05-02. Review status: no assertion criteria provided. Collection method: literature only. Allele origin: germline. Not counted in ClinVar's aggregate classification.

Literature cited by the submitters: PubMed 29449551 (cited by First Genomix Gene Laboratory, Genetic Diagnostics Department and OMIM).

NM_001164496.2(CFAP44):c.1387G>T (p.Glu463Ter)

Genes: SPICE1-CFAP44 (SPICE1-CFAP44 readthrough (NMD candidate); minus strand), CFAP44 (cilia and flagella associated protein 44; minus strand). Cytogenetic location: 3q13.2.
Variant type: single nucleotide variant.
Coding change: c.1387G>T on transcript NM_001164496.2 (MANE Select); coding-DNA position 1387, G replaced by T.
Protein change: p.Glu463Ter; replaces glutamic acid 463 with a stop codon.
Molecular consequence: nonsense.
Genome position (GRCh38, 1-based): chr3:113,400,632, C>A on the plus strand (G>T on the coding strand, the complement: CFAP44 is on the minus strand). VCF-style: chr3-113400632-C-A. GRCh37 (hg19) VCF-style: chr3-113119479-C-A.
Other names: c.1387G>T, p.Glu463Ter (NM_018338.3); short protein forms E463*.
Identifiers: ClinVar variation 523152 (VCV000523152.8), dbSNP rs866096259, ClinGen allele CA81562791.